The following is an entry in ClinVar:

NM_001905.4(CTPS1):c.191G>A (p.Gly64Asp)

Gene: CTPS1 (CTP synthase 1; plus strand). Cytogenetic location: 1p34.2.
Variant type: single nucleotide variant.
Coding change: c.191G>A on transcript NM_001905.4 (MANE Select); coding-DNA position 191, G replaced by A.
Protein change: p.Gly64Asp; replaces glycine 64 with aspartic acid.
Molecular consequence: missense variant. On other transcripts: non-coding transcript variant (1).
Genome position (GRCh38, 1-based): chr1:40,984,845, G>A. VCF-style: chr1-40984845-G-A. GRCh37 (hg19) VCF-style: chr1-41450517-G-A.
Other names: short protein forms G64D.
Identifiers: ClinVar variation 2112937 (VCV002112937.4), dbSNP rs2524249023, ClinGen allele CA339901447.
Genomic context (GRCh38, chr1:40,984,845, plus strand): 5'-TTCACTTAACGTAAATGGTTTCTCTGTTCACTGCAGGTGAGGTTTTTGTGCTGGATGATG[G>A]TGGGGAAGTAGACCTTGACCTGGGTAACTATGAGCGGTTCCTTGACATCCGCCTCACCAA-3'
Protein context (NP_001896.2, residues 54-74): EHGEVFVLDD[Gly64Asp]GEVDLDLGNY

ClinVar aggregate classification (germline): Uncertain significance (1 of 4 stars; one submission).

Conditions:
Combined immunodeficiency due to CTPS1 deficiency. Also called: Severe combined immunodeficiency due to CTPS1 deficiency; Immunodeficiency 24. Identifiers: Orphanet 420573, MedGen C4014617, MONDO:0014391, OMIM 615897.

gnomAD v4.1: 1 of 1,577,932 alleles (0.000063%); highest among the groups gnomAD compares: Non-Finnish European, 0.000086%; no homozygotes.

Submission:

Labcorp Genetics (formerly Invitae), Labcorp
Classification: Uncertain significance for Combined immunodeficiency due to CTPS1 deficiency. Last evaluated: 2022-03-16. Review status: criteria provided, single submitter. Criteria: Invitae Variant Classification Sherloc (09022015). Collection method: clinical testing. Allele origin: germline.
Comment: In summary, the available evidence is currently insufficient to determine the role of this variant in disease. Therefore, it has been classified as a Variant of Uncertain Significance. Algorithms developed to predict the effect of missense changes on protein structure and function (SIFT, PolyPhen-2, Align-GVGD) all suggest that this variant is likely to be disruptive. This variant has not been reported in the literature in individuals affected with CTPS1-related conditions. This variant is not present in population databases (gnomAD no frequency). This sequence change replaces glycine, which is neutral and non-polar, with aspartic acid, which is acidic and polar, at codon 64 of the CTPS1 protein (p.Gly64Asp).